The following is an entry in ClinVar:

NM_004366.6(CLCN2):c.1506C>G (p.Val502=)

Gene: CLCN2 (chloride voltage-gated channel 2; minus strand). Cytogenetic location: 3q27.1.
Variant type: single nucleotide variant.
Coding change: c.1506C>G on transcript NM_004366.6 (MANE Select); coding-DNA position 1506, C replaced by G.
Protein change: p.Val502=; no amino-acid change (valine 502 retained).
Molecular consequence: synonymous variant.
Genome position (GRCh38, 1-based): chr3:184,354,549, G>C on the plus strand (C>G on the coding strand, the complement: CLCN2 is on the minus strand). VCF-style: chr3-184354549-G-C. GRCh37 (hg19) VCF-style: chr3-184072337-G-C.
Other names: c.1455C>G, p.Val485= (NM_001171087.3); c.1374C>G, p.Val458= (NM_001171088.3); c.1506C>G, p.Val502= (NM_001171089.3).
Identifiers: ClinVar variation 2153759 (VCV002153759.5), dbSNP rs762339307, ClinGen allele CA2734082.

ClinVar aggregate classification (germline): Uncertain significance. Review status: criteria provided, multiple submitters, no conflicts (2 of 4 stars). 2 submissions from 2 submitters: Uncertain significance (2). Last evaluated 2023-01-27.

Allele frequency attached by ClinVar (database versions not stated): TOPMed 0.00001.
gnomAD v4.1: 8 of 1,612,268 alleles (0.0005%); highest among the groups gnomAD compares: Admixed American, 0.0067%; no homozygotes.

Submissions (2):

Institute for Clinical Genetics, University Hospital TU Dresden, University Hospital TU Dresden
Classification: Uncertain significance. Last evaluated: 2023-01-27. Review status: criteria provided, single submitter. Criteria: ACMG Guidelines, 2015. Collection method: clinical testing. Allele origin: germline.

Labcorp Genetics (formerly Invitae), Labcorp
Classification: Uncertain significance. Last evaluated: 2022-06-17. Review status: criteria provided, single submitter. Criteria: Invitae Variant Classification Sherloc (09022015). Collection method: clinical testing. Allele origin: germline.
Comment: In summary, the available evidence is currently insufficient to determine the role of this variant in disease. Therefore, it has been classified as a Variant of Uncertain Significance. Algorithms developed to predict the effect of sequence changes on RNA splicing suggest that this variant may create or strengthen a splice site. This variant has not been reported in the literature in individuals affected with CLCN2-related conditions. This variant is present in population databases (rs762339307, gnomAD 0.009%). This sequence change affects codon 502 of the CLCN2 mRNA. It is a 'silent' change, meaning that it does not change the encoded amino acid sequence of the CLCN2 protein. It affects a nucleotide within the consensus splice site.